The following is an entry in ClinVar:

ClinVar aggregate classification (germline): Uncertain significance. Review status: criteria provided, multiple submitters, no conflicts (2 of 4 stars). 2 submissions from 2 submitters: Uncertain significance (2). Last evaluated 2024-10-08.

Conditions:
Inborn genetic diseases. Identifiers: MedGen C0950123, MeSH D030342.

Allele frequency attached by ClinVar (database versions not stated): gnomAD 0.00043 and 0.00046; gnomAD exomes 0.00053 and 0.00087; ExAC 0.00122.
gnomAD v4.1: 1,153 of 1,426,768 alleles (0.081%); highest among the groups gnomAD compares: Non-Finnish European, 0.1%; 1 homozygote.

Submissions (2):

Ambry Genetics
Classification: Uncertain significance for Inborn genetic diseases. Last evaluated: 2024-10-08. Review status: criteria provided, single submitter. Criteria: Ambry Variant Classification Scheme 2023. Collection method: clinical testing. Allele origin: germline.

Labcorp Genetics (formerly Invitae), Labcorp
Classification: Uncertain significance. Last evaluated: 2023-12-27. Review status: criteria provided, single submitter. Criteria: Invitae Variant Classification Sherloc (09022015). Collection method: clinical testing. Allele origin: germline.
Comment: This sequence change replaces proline, which is neutral and non-polar, with serine, which is neutral and polar, at codon 85 of the DNAH9 protein (p.Pro85Ser). This variant is present in population databases (rs762990165, gnomAD 0.1%). This variant has not been reported in the literature in individuals affected with DNAH9-related conditions. ClinVar contains an entry for this variant (Variation ID: 1367974). An algorithm developed to predict the effect of missense changes on protein structure and function (PolyPhen-2) suggests that this variant¬†is likely to be tolerated. In summary, the available evidence is currently insufficient to determine the role of this variant in disease. Therefore, it has been classified as a Variant of Uncertain Significance.

NM_001372.4(DNAH9):c.253C>T (p.Pro85Ser)

Gene: DNAH9 (dynein axonemal heavy chain 9; plus strand). Cytogenetic location: 17p12.
Variant type: single nucleotide variant.
Coding change: c.253C>T on transcript NM_001372.4 (MANE Select); coding-DNA position 253, C replaced by T.
Protein change: p.Pro85Ser; replaces proline 85 with serine.
Molecular consequence: missense variant.
Genome position (GRCh38, 1-based): chr17:11,598,751, C>T. VCF-style: chr17-11598751-C-T. GRCh37 (hg19) VCF-style: chr17-11502068-C-T.
Other names: c.253C>T (NM_001372.3); short protein forms P85S.
Identifiers: ClinVar variation 1367974 (VCV001367974.6), dbSNP rs762990165, ClinGen allele CA8394470.